The following is an entry in ClinVar:

ClinVar aggregate classification (germline): Uncertain significance (1 of 4 stars; one submission).

Conditions:
Shprintzen-Goldberg syndrome (SGS). Also called: Marfanoid disorder with craniosynostosis type 1; Marfanoid craniosynostosis syndrome; Shprintzen-Goldberg marfanoid syndrome; SHPRINTZEN-GOLDBERG CRANIOSYNOSTOSIS SYNDROME; CRANIOSYNOSTOSIS WITH ARACHNODACTYLY AND ABDOMINAL HERNIAS. Identifiers: Orphanet 2462, MedGen C1321551, MONDO:0008426, OMIM 182212.

Submission:

Labcorp Genetics (formerly Invitae), Labcorp
Classification: Uncertain significance for Shprintzen-Goldberg syndrome. Last evaluated: 2024-11-05. Review status: criteria provided, single submitter. Criteria: Invitae Variant Classification Sherloc (09022015). Collection method: clinical testing. Allele origin: germline.
Comment: This variant, c.975_977del, results in the deletion of 1 amino acid(s) of the SKI protein (p.Ser326del), but otherwise preserves the integrity of the reading frame. This variant is present in population databases (rs750746850, gnomAD 0.01%). This variant has not been reported in the literature in individuals affected with SKI-related conditions. Experimental studies and prediction algorithms are not available or were not evaluated, and the functional significance of this variant is currently unknown. In summary, the available evidence is currently insufficient to determine the role of this variant in disease. Therefore, it has been classified as a Variant of Uncertain Significance.

NM_003036.4(SKI):c.972CTC[1] (p.Ser326del)

Gene: SKI (SKI proto-oncogene; plus strand). Cytogenetic location: 1p36.32.
Variant type: Microsatellite.
Coding change: c.972CTC[1] on transcript NM_003036.4 (MANE Select); one copy of the 3-base unit CTC starting at c.972; the reference has two copies in a row; one copy, 3 bases deleted.
Protein change: p.Ser326del; deletes serine 326.
Molecular consequence: inframe deletion.
Genome position (GRCh38, 1-based): chr1:2,302,983-2,302,985, CTC deleted; deleting any 3 consecutive bases within chr1:2,302,980-2,302,985 gives the same sequence; the position shown is the placement nearest the transcript's 3' end. VCF-style (leftmost placement, unchanged base first): chr1-2302979-TCTC-T. GRCh37 (hg19) VCF-style: chr1-2234418-TCTC-T.
Other names: short protein forms S326del.
Identifiers: ClinVar variation 2727104 (VCV002727104.3), dbSNP rs750746850, ClinGen allele CA536516.